The following is an entry in ClinVar:

ClinVar aggregate classification (germline): Benign/Likely benign. Review status: criteria provided, multiple submitters, no conflicts (2 of 4 stars). 3 submissions from 3 submitters: Benign (1); Likely benign (1). 1 of the submissions does not count toward it. Last evaluated 2025-12-23.

Conditions:
KMT2B-related disorder. Also called: KMT2B-related disorders; KMT2B-related condition. Identifiers: MedGen CN381338.

Allele frequency attached by ClinVar (database versions not stated): TOPMed 0.00005; gnomAD 0.00006; ExAC 0.00013; gnomAD exomes 0.00013; 1000 Genomes Project 30x 0.00016; 1000 Genomes Project 0.00020.
gnomAD v4.1: 201 of 1,613,254 alleles (0.012%); highest among the groups gnomAD compares: South Asian, 0.03%; no homozygotes.

Submissions (3):

Labcorp Genetics (formerly Invitae), Labcorp
Classification: Benign. Last evaluated: 2025-12-23. Review status: criteria provided, single submitter. Criteria: Invitae Variant Classification Sherloc (09022015). Collection method: clinical testing. Allele origin: germline.

CeGaT Center for Human Genetics Tuebingen
Classification: Likely benign. Last evaluated: 2025-10-01. Review status: criteria provided, single submitter. Criteria: CeGaT Center For Human Genetics Tuebingen Variant Classification Criteria Version 2. Collection method: clinical testing. Allele origin: germline. Affected: yes. Observed: 2 variant alleles.
Comment: KMT2B: BP4, BP7

PreventionGenetics, part of Exact Sciences
Classification: Likely benign for KMT2B-related condition. Last evaluated: 2019-12-16. Review status: no assertion criteria provided. Collection method: clinical testing. Allele origin: germline. Not counted in ClinVar's aggregate classification.
Comment: This variant is classified as likely benign based on ACMG/AMP sequence variant interpretation guidelines (Richards et al. 2015 PMID: 25741868, with internal and published modifications).

NM_014727.3(KMT2B):c.4128C>T (p.Tyr1376=)

Gene: KMT2B (lysine methyltransferase 2B; plus strand). Cytogenetic location: 19q13.12.
Variant type: single nucleotide variant.
Coding change: c.4128C>T on transcript NM_014727.3 (MANE Select); coding-DNA position 4128, C replaced by T.
Protein change: p.Tyr1376=; no amino-acid change (tyrosine 1376 retained).
Molecular consequence: synonymous variant.
Genome position (GRCh38, 1-based): chr19:35,727,448, C>T. VCF-style: chr19-35727448-C-T. GRCh37 (hg19) VCF-style: chr19-36218349-C-T.
Other names: c.4128C>T (NM_014727.2).
Identifiers: ClinVar variation 2191384 (VCV002191384.28), dbSNP rs147091696, ClinGen allele CA9384996.
Genomic context (GRCh38, chr19:35,727,448, plus strand): 5'-CCCTCACATCCTCTGAAACCACTTTTCCCTTTCCCACTTGGCTATCCTAGATGAAGACTA[C>T]GAGATCCTTTCAGGACTGCCAGACTCGGTGCTGTACACCTGCGGACCGTGTGCTGGGGCA-3'
Protein context (NP_055542.1, residues 1366-1386): AKCEGLSDED[Tyr1376=]EILSGLPDSV